The following is an entry in ClinVar:

NM_017775.4(TTC19):c.*1589T>C

Gene: TTC19 (tetratricopeptide repeat domain 19; plus strand). Cytogenetic location: 17p12.
Variant type: single nucleotide variant.
Coding change: c.*1589T>C on transcript NM_017775.4 (MANE Select); 1589 bases downstream of the stop codon, T replaced by C.
Molecular consequence: 3 prime UTR variant.
Genome position (GRCh38, 1-based): chr17:16,029,111, T>C. VCF-style: chr17-16029111-T-C. GRCh37 (hg19) VCF-style: chr17-15932425-T-C.
Other names: c.*1589T>C (NM_001271420.2).
Identifiers: ClinVar variation 891562 (VCV000891562.5), dbSNP rs117133932, ClinGen allele CA8407740.

ClinVar aggregate classification (germline): Likely benign. Review status: criteria provided, multiple submitters, no conflicts (2 of 4 stars). 2 submissions from 2 submitters: Likely benign (2). Last evaluated 2017-04-27.

Conditions:
Mitochondrial complex III deficiency nuclear type 2. Identifiers: MedGen C3554605, MONDO:0014063, OMIM 615157.

Allele frequency attached by ClinVar (database versions not stated): 1000 Genomes Project 30x 0.01515; 1000 Genomes Project 0.01597; ExAC 0.02511; TOPMed 0.02572; gnomAD 0.02924 and 0.02959; gnomAD exomes 0.03432.
gnomAD v4.1: 14,502 of 445,342 alleles (3.3%); highest among the groups gnomAD compares: Non-Finnish European, 4.4%; 311 homozygotes.

Submissions (2):

Illumina Laboratory Services, Illumina
Classification: Likely benign for Mitochondrial complex III deficiency nuclear type 2. Last evaluated: 2017-04-27. Review status: criteria provided, single submitter. Criteria: ICSL Variant Classification Criteria 13 December 2019. Collection method: clinical testing. Allele origin: germline.
Comment: This variant was observed as part of a predisposition screen in an ostensibly healthy population. A literature search was performed for the gene, cDNA change, and amino acid change (where applicable). No publications were found based on this search. Allele frequency data from public databases allowed determination this variant is unlikely to cause disease. Therefore, this variant is classified as likely benign.

Breakthrough Genomics
Classification: Likely benign. Review status: criteria provided, single submitter. Criteria: ACMG Guidelines, 2015. Collection method: not provided. Allele origin: germline. Inheritance: Autosomal recessive inheritance. Affected: yes.